The following is an entry in ClinVar:

ClinVar aggregate classification (germline): Uncertain significance. Review status: criteria provided, multiple submitters, no conflicts (2 of 4 stars). 3 submissions from 3 submitters: Uncertain significance (3). Last evaluated 2025-11-09.

Conditions:
Catecholaminergic polymorphic ventricular tachycardia (CVPT). Also called: Catecholamine-induced polymorphic ventricular tachycardia. Identifiers: Orphanet 3286, MedGen C5574922, MONDO:0017990.
Cardiomyopathy (CMYO). Also called: Cardiomyopathies. Identifiers: Orphanet 167848, MedGen C0878544, MONDO:0004994, HP:0001638. Inheritance: Various modes of inheritance.
Catecholaminergic polymorphic ventricular tachycardia 1. Also called: VENTRICULAR TACHYCARDIA, STRESS-INDUCED POLYMORPHIC 1; VENTRICULAR TACHYCARDIA, CATECHOLAMINERGIC POLYMORPHIC, 1, WITH OR WITHOUT ATRIAL DYSFUNCTION AND/OR DILATED CARDIOMYOPATHY; RYR2-Related Catecholaminergic Polymorphic Ventricular Tachycardia. Identifiers: Orphanet 3286, MedGen C1631597, MONDO:0011484, OMIM 604772.

Allele frequency attached by ClinVar (database versions not stated): gnomAD exomes below 0.00001 and 0.00001; TOPMed below 0.00001; gnomAD 0.00001; ExAC 0.00002.
gnomAD v4.1: 4 of 1,609,118 alleles (0.00025%); no homozygotes.

Submissions (3):

Labcorp Genetics (formerly Invitae), Labcorp
Classification: Uncertain significance for Catecholaminergic polymorphic ventricular tachycardia 1. Last evaluated: 2025-11-09. Review status: criteria provided, single submitter. Criteria: Invitae Variant Classification Sherloc (09022015). Collection method: clinical testing. Allele origin: germline.
Comment: This sequence change replaces valine, which is neutral and non-polar, with methionine, which is neutral and non-polar, at codon 4000 of the RYR2 protein (p.Val4000Met). This variant is present in population databases (rs773760019, gnomAD 0.02%). This variant has not been reported in the literature in individuals affected with RYR2-related conditions. ClinVar contains an entry for this variant (Variation ID: 1450029). Invitae Evidence Modeling of protein sequence and biophysical properties (such as structural, functional, and spatial information, amino acid conservation, physicochemical variation, residue mobility, and thermodynamic stability) indicates that this missense variant is expected to disrupt RYR2 protein function with a positive predictive value of 95%. In summary, the available evidence is currently insufficient to determine the role of this variant in disease. Therefore, it has been classified as a Variant of Uncertain Significance.

Color Diagnostics, LLC DBA Color Health
Classification: Uncertain significance for Cardiomyopathy. Last evaluated: 2024-03-06. Review status: criteria provided, single submitter. Criteria: ACMG Guidelines, 2015. Collection method: clinical testing. Allele origin: germline.
Comment: This missense variant replaces valine with methionine at codon 4000 of the RYR2 protein. Computational prediction is inconclusive regarding the impact of this variant on protein structure and function (internally defined REVEL score threshold 0.5 < inconclusive < 0.7, PMID: 27666373). To our knowledge, functional studies have not been reported for this variant. This variant has not been reported in individuals affected with cardiovascular disorders in the literature. This variant has been identified in 2/245878 chromosomes in the general population by the Genome Aggregation Database (gnomAD). The available evidence is insufficient to determine the role of this variant in disease conclusively. Therefore, this variant is classified as a Variant of Uncertain Significance.

All of Us Research Program, National Institutes of Health
Classification: Uncertain significance for Catecholaminergic polymorphic ventricular tachycardia. Last evaluated: 2023-08-23. Review status: criteria provided, single submitter. Criteria: ACMG Guidelines, 2015. Collection method: clinical testing. Allele origin: germline. Inheritance: Autosomal dominant inheritance. Observed: 1 variant allele, 1 heterozygote.
Comment: This missense variant replaces valine with methionine at codon 4000 of the RYR2 protein. Computational prediction is inconclusive regarding the impact of this variant on protein structure and function (internally defined REVEL score threshold 0.5 < inconclusive < 0.7, PMID: 27666373). To our knowledge, functional studies have not been reported for this variant. This variant has not been reported in individuals affected with cardiovascular disorders in the literature. This variant has been identified in 2/245878 chromosomes in the general population by the Genome Aggregation Database (gnomAD). The available evidence is insufficient to determine the role of this variant in disease conclusively. Therefore, this variant is classified as a Variant of Uncertain Significance.

This study involves interpretation of variants in research participants for the purpose of population health screening. Participant phenotype was not available at the time of variant classification. Additional details can be found in publication PMID: 35346344, PMCID: PMC8962531

NM_001035.3(RYR2):c.11998G>A (p.Val4000Met)

Gene: RYR2 (ryanodine receptor 2; plus strand). Cytogenetic location: 1q43.
Variant type: single nucleotide variant.
Coding change: c.11998G>A on transcript NM_001035.3 (MANE Select); coding-DNA position 11998, G replaced by A.
Protein change: p.Val4000Met; replaces valine 4000 with methionine.
Molecular consequence: missense variant.
Genome position (GRCh38, 1-based): chr1:237,783,710, G>A. VCF-style: chr1-237783710-G-A. GRCh37 (hg19) VCF-style: chr1-237947010-G-A.
Other names: short protein forms V4000M.
Identifiers: ClinVar variation 1450029 (VCV001450029.10), dbSNP rs773760019, ClinGen allele CA085109.